The following is an entry in ClinVar:

ClinVar aggregate classification (germline): Uncertain significance. Review status: criteria provided, multiple submitters, no conflicts (2 of 4 stars). 2 submissions from 2 submitters: Uncertain significance (2). Last evaluated 2025-03-14.

Conditions:
Inborn genetic diseases. Identifiers: MedGen C0950123, MeSH D030342.

Allele frequency attached by ClinVar (database versions not stated): TOPMed below 0.00001; ExAC 0.00001; gnomAD 0.00001.
gnomAD v4.1: 6 of 1,613,972 alleles (0.00037%); highest among the groups gnomAD compares: East Asian, 0.0045%; no homozygotes.

Submissions (2):

Ambry Genetics
Classification: Uncertain significance for Inborn genetic diseases. Last evaluated: 2025-03-14. Review status: criteria provided, single submitter. Criteria: Ambry Variant Classification Scheme 2023. Collection method: clinical testing. Allele origin: germline.

GeneDx
Classification: Uncertain significance. Last evaluated: 2022-02-23. Review status: criteria provided, single submitter. Criteria: GeneDx Variant Classification Process June 2021. Collection method: clinical testing. Allele origin: germline. Affected: yes.
Comment: Not observed at significant frequency in large population cohorts (gnomAD); In silico analysis supports that this missense variant does not alter protein structure/function; Has not been previously published as pathogenic or benign to our knowledge

NM_020937.4(FANCM):c.3356A>G (p.Asp1119Gly)

Gene: FANCM (FA complementation group M; plus strand). Cytogenetic location: 14q21.2.
Variant type: single nucleotide variant.
Coding change: c.3356A>G on transcript NM_020937.4 (MANE Select); coding-DNA position 3356, A replaced by G.
Protein change: p.Asp1119Gly; replaces aspartic acid 1119 with glycine.
Molecular consequence: missense variant.
Genome position (GRCh38, 1-based): chr14:45,176,110, A>G. VCF-style: chr14-45176110-A-G. GRCh37 (hg19) VCF-style: chr14-45645313-A-G.
Other names: c.3278A>G, p.Asp1093Gly (NM_001308133.2); short protein forms D1093G, D1119G.
Identifiers: ClinVar variation 1703354 (VCV001703354.3), dbSNP rs779955686, ClinGen allele CA7169500.